The following is an entry in ClinVar:

NM_020778.5(ALPK3):c.246G>A (p.Thr82=)

Gene: ALPK3 (alpha kinase 3; plus strand). Cytogenetic location: 15q25.3.
Variant type: single nucleotide variant.
Coding change: c.246G>A on transcript NM_020778.5 (MANE Select); coding-DNA position 246, G replaced by A.
Protein change: p.Thr82=; no amino-acid change (threonine 82 retained).
Molecular consequence: synonymous variant.
Genome position (GRCh38, 1-based): chr15:84,827,547, G>A. VCF-style: chr15-84827547-G-A. GRCh37 (hg19) VCF-style: chr15-85370778-G-A.
Identifiers: ClinVar variation 1934829 (VCV001934829.9), dbSNP rs762694867, ClinGen allele CA7708903.
Genomic context (GRCh38, chr15:84,827,547, plus strand): 5'-CACCTTCTGCTCCATCATTGCTCAGCTCACAGAGGAGACCCAGCCGCTATTTGAGACCAC[G>A]CTCAAGTCCCGGTCTGTGTCCGAGGACAGCGACGTCAGGTTCACCTGCATCGTCACAGGT-3'
Protein context (NP_065829.4, residues 72-92): TEETQPLFET[Thr82=]LKSRSVSEDS

ClinVar aggregate classification (germline): Likely benign. Review status: criteria provided, multiple submitters, no conflicts (2 of 4 stars). 4 submissions from 4 submitters: Likely benign (4). Last evaluated 2026-09-17.

Conditions:
Cardiovascular phenotype. Identifiers: MedGen CN230736.
ALPK3-related disorder. Also called: ALPK3-related condition.

Allele frequency attached by ClinVar (database versions not stated): ExAC 0.00001; gnomAD exomes 0.00001; gnomAD 0.00002; TOPMed 0.00002.
gnomAD v4.1: 23 of 1,614,054 alleles (0.0014%); highest among the groups gnomAD compares: Non-Finnish European, 0.0018%; no homozygotes.

Submissions (4):

PreventionGenetics, part of Exact Sciences
Classification: Likely benign for ALPK3-related condition. Last evaluated: 2026-09-17. Review status: criteria provided, single submitter. Criteria: ACMG Guidelines, 2015. Collection method: clinical testing. Allele origin: germline.
Comment: This variant is classified as likely benign based on ACMG/AMP sequence variant interpretation guidelines (Richards et al. 2015 PMID: 25741868, with internal and published modifications).

Labcorp Genetics (formerly Invitae), Labcorp
Classification: Likely benign. Last evaluated: 2025-12-27. Review status: criteria provided, single submitter. Criteria: Invitae Variant Classification Sherloc (09022015). Collection method: clinical testing. Allele origin: germline.

Blueprint Genetics
Classification: Likely benign. Last evaluated: 2023-01-16. Review status: criteria provided, single submitter. Criteria: ACMG Guidelines, 2015. Collection method: clinical testing. Allele origin: germline.

Ambry Genetics
Classification: Likely benign for Cardiovascular phenotype. Last evaluated: 2023-01-01. Review status: criteria provided, single submitter. Criteria: Ambry Variant Classification Scheme 2023. Collection method: clinical testing. Allele origin: germline.